The following is an entry in ClinVar:

ClinVar aggregate classification (germline): Pathogenic. Review status: criteria provided, multiple submitters, no conflicts (2 of 4 stars). 5 submissions from 5 submitters: Pathogenic (4). 1 of the submissions does not count toward it. Last evaluated 2025-12-31.

Conditions:
APC-related disorder. Also called: APC-related condition.
Hereditary cancer-predisposing syndrome. Also called: Neoplastic Syndromes, Hereditary; Tumor predisposition; Hereditary Cancer Syndrome; Hereditary neoplastic syndrome. Identifiers: Orphanet 140162, MedGen C0027672, MeSH D009386, MONDO:0015356.
Familial adenomatous polyposis 1 (FAP1). Also called: POLYPOSIS, ADENOMATOUS INTESTINAL; FAMILIAL ADENOMATOUS POLYPOSIS 1, ATTENUATED. Identifiers: MedGen C2713442, MONDO:0021056, OMIM 175100. Disease mechanism: loss of function.

Submissions (5):

Ambry Genetics
Classification: Pathogenic for Hereditary cancer-predisposing syndrome. Last evaluated: 2025-12-31. Review status: criteria provided, single submitter. Criteria: Ambry Variant Classification Scheme 2023. Collection method: clinical testing. Allele origin: germline.
Comment: The p.Q433* pathogenic mutation (also known as c.1297C>T), located in coding exon 9 of the APC gene, results from a C to T substitution at nucleotide position 1297. This changes the amino acid from a glutamine to a stop codon within coding exon 9. This variant has been detected in multiple individuals and families with familial adenomatous polyposis (Ambry internal data; Friedl W et al. Gut, 2001 Apr;48:515-21; Kohoutov&aacute; M et al. Hum. Mutat., 2002 Apr;19:460-1; Vandrovcov&aacute; J et al. Hum. Mutat., 2004 Apr;23:397; Friedl W et al. Hered Cancer Clin Pract, 2005 Sep;3:95-114; Plawski A et al. J. Appl. Genet., 2008;49:407-14). This variant is considered to be rare based on population cohorts in the Genome Aggregation Database (gnomAD). In addition to the clinical data presented in the literature, this alteration is expected to result in loss of function by premature protein truncation or nonsense-mediated mRNA decay. As such, this alteration is interpreted as a disease-causing mutation.

Blueprint Genetics
Classification: Pathogenic for APC-related disorders. Last evaluated: 2024-07-15. Review status: criteria provided, single submitter. Criteria: ACMG Guidelines, 2015. Collection method: clinical testing. Allele origin: germline. Affected: yes. Observed: 2 variant alleles.

Myriad Genetics, Inc.
Classification: Pathogenic for Familial adenomatous polyposis 1. Last evaluated: 2023-05-01. Review status: criteria provided, single submitter. Criteria: Myriad Autosomal Dominant, Autosomal Recessive and X-Linked Classification Criteria (2023). Collection method: clinical testing. Allele origin: unknown.
Comment: This variant is considered pathogenic. This variant creates a termination codon and is predicted to result in premature protein truncation.

Labcorp Genetics (formerly Invitae), Labcorp
Classification: Pathogenic for Familial adenomatous polyposis 1. Last evaluated: 2023-03-19. Review status: criteria provided, single submitter. Criteria: Invitae Variant Classification Sherloc (09022015). Collection method: clinical testing. Allele origin: germline.
Comment: For these reasons, this variant has been classified as Pathogenic. ClinVar contains an entry for this variant (Variation ID: 217921). This premature translational stop signal has been observed in individual(s) with familial adenomatous polyposis (PMID: 11247896, 11933206). This variant is not present in population databases (gnomAD no frequency). This sequence change creates a premature translational stop signal (p.Gln433*) in the APC gene. It is expected to result in an absent or disrupted protein product. Loss-of-function variants in APC are known to be pathogenic (PMID: 17963004, 20685668).

Mayo Clinic Laboratories, Mayo Clinic
Classification: Pathogenic. Review status: no assertion criteria provided. Collection method: research. Allele origin: unknown. Observed: 1 variant allele. Not counted in ClinVar's aggregate classification.

Literature cited by the submitters: PubMed 11247896 (cited by Ambry Genetics and Labcorp Genetics (formerly Invitae), Labcorp); PubMed 11933206 (cited by Ambry Genetics and Labcorp Genetics (formerly Invitae), Labcorp); PubMed 15024739 (cited by Ambry Genetics); PubMed 19029688 (cited by Ambry Genetics); PubMed 20223039 (cited by Ambry Genetics); PubMed 25525159 (cited by Ambry Genetics); PubMed 17963004 (cited by Labcorp Genetics (formerly Invitae), Labcorp); PubMed 20685668 (cited by Labcorp Genetics (formerly Invitae), Labcorp).

NM_000038.6(APC):c.1297C>T (p.Gln433Ter)

Gene: APC (APC regulator of Wnt signaling pathway; plus strand). Cytogenetic location: 5q22.2.
Variant type: single nucleotide variant.
Coding change: c.1297C>T on transcript NM_000038.6 (MANE Select); coding-DNA position 1297, C replaced by T.
Protein change: p.Gln433Ter; replaces glutamine 433 with a stop codon.
Molecular consequence: nonsense.
Genome position (GRCh38, 1-based): chr5:112,819,329, C>T. VCF-style: chr5-112819329-C-T. GRCh37 (hg19) VCF-style: chr5-112155026-C-T.
Other names: c.1297C>T, p.Gln433Ter (NM_001127510.3, NM_001354895.2, NM_001354896.2); c.1243C>T, p.Gln415Ter (NM_001127511.3); c.1327C>T, p.Gln443Ter (NM_001354897.2); c.1222C>T, p.Gln408Ter (NM_001354898.2); c.1213C>T, p.Gln405Ter (NM_001354899.2); c.1120C>T, p.Gln374Ter (NM_001354900.2, NM_001354901.2); c.1024C>T, p.Gln342Ter (NM_001354902.2); c.994C>T, p.Gln332Ter (NM_001354903.2); and 3 more; short protein forms Q415*, Q433*, Q342*, Q374*, Q405*, Q150*, Q273*, Q307*.
Identifiers: ClinVar variation 217921 (VCV000217921.18), dbSNP rs863225309, ClinGen allele CA279741.
Genomic context (GRCh38, chr5:112,819,329, plus strand): 5'-ATACGCGCTTACTGTGAAACCTGTTGGGAGTGGCAGGAAGCTCATGAACCAGGCATGGAC[C>T]AGGACAAAAATCCAAGTATGTTCTCTATAGTGTACATCGTAGTGCATGTTTCAAAGCAAA-3'